The following is an entry in ClinVar:

ClinVar aggregate classification (germline): Uncertain significance (1 of 4 stars; one submission).

Conditions:
Amyotrophic lateral sclerosis type 1 (ALS1). Also called: AMYOTROPHIC LATERAL SCLEROSIS 1, FAMILIAL. Identifiers: Orphanet 803, MedGen C1862939, MONDO:0007103, OMIM 105400.
Neuronopathy, distal hereditary motor, type 7B. Also called: HMN VIIB; LOWER MOTOR NEURON DISEASE, DYNACTIN TYPE; NEURONOPATHY, DISTAL HEREDITARY MOTOR, AUTOSOMAL DOMINANT 14; NEURONOPATHY, DISTAL HEREDITARY MOTOR, HARDING TYPE VIIB; NEUROPATHY, DISTAL HEREDITARY MOTOR, HARDING TYPE VIIB; NEUROPATHY, DISTAL HEREDITARY MOTOR, WITH VOCAL CORD PARALYSIS, HARDING TYPE VIIB. Identifiers: Orphanet 139589, MedGen C1843315, MONDO:0011879, OMIM 607641.
Perry syndrome. Also called: PARKINSONISM WITH ALVEOLAR HYPOVENTILATION AND MENTAL DEPRESSION. Identifiers: Orphanet 178509, MedGen C1868594, MONDO:0008201, OMIM 168605.

Allele frequency attached by ClinVar (database versions not stated): gnomAD exomes below 0.00001; TOPMed below 0.00001; gnomAD 0.00001.
gnomAD v4.1: 3 of 1,613,876 alleles (0.00019%); highest among the groups gnomAD compares: African/African-American, 0.004%; no homozygotes.

Submission:

Labcorp Genetics (formerly Invitae), Labcorp
Classification: Uncertain significance for Amyotrophic lateral sclerosis type 1; Neuronopathy, distal hereditary motor, type 7B; Perry syndrome. Last evaluated: 2023-06-23. Review status: criteria provided, single submitter. Criteria: Invitae Variant Classification Sherloc (09022015). Collection method: clinical testing. Allele origin: germline.
Comment: This sequence change replaces serine, which is neutral and polar, with alanine, which is neutral and non-polar, at codon 1194 of the DCTN1 protein (p.Ser1194Ala). This variant is present in population databases (no rsID available, gnomAD 0.01%). This variant has not been reported in the literature in individuals affected with DCTN1-related conditions. Advanced modeling of protein sequence and biophysical properties (such as structural, functional, and spatial information, amino acid conservation, physicochemical variation, residue mobility, and thermodynamic stability) performed at Invitae indicates that this missense variant is not expected to disrupt DCTN1 protein function. In summary, the available evidence is currently insufficient to determine the role of this variant in disease. Therefore, it has been classified as a Variant of Uncertain Significance.

NM_004082.5(DCTN1):c.3580T>G (p.Ser1194Ala)

Gene: DCTN1 (dynactin subunit 1; minus strand). Cytogenetic location: 2p13.1.
Variant type: single nucleotide variant.
Coding change: c.3580T>G on transcript NM_004082.5 (MANE Select); coding-DNA position 3580, T replaced by G.
Protein change: p.Ser1194Ala; replaces serine 1194 with alanine.
Molecular consequence: missense variant. On other transcripts: non-coding transcript variant (1).
Genome position (GRCh38, 1-based): chr2:74,362,679, A>C on the plus strand (T>G on the coding strand, the complement: DCTN1 is on the minus strand). VCF-style: chr2-74362679-A-C. GRCh37 (hg19) VCF-style: chr2-74589806-A-C.
Other names: c.3178T>G, p.Ser1060Ala (NM_023019.4); c.3505T>G, p.Ser1169Ala (NM_001135040.3); c.3163T>G, p.Ser1055Ala (NM_001135041.3); c.3454T>G, p.Ser1152Ala (NM_001190836.2); c.3559T>G, p.Ser1187Ala (NM_001190837.2); c.3529T>G, p.Ser1177Ala (NM_001378991.1); c.3511T>G, p.Ser1171Ala (NM_001378992.1); short protein forms S1060A, S1169A, S1194A, S1152A, S1177A, S1187A, S1055A, S1171A.
Identifiers: ClinVar variation 2933636 (VCV002933636.3), dbSNP rs112571739, ClinGen allele CA347336690.